The following is an entry in ClinVar:

GRCh37/hg19 16p13.11-12.3(chr16:15316618-18164698)x3

Genes: ABCC1 (ATP binding cassette subfamily C member 1 (ABCC1 blood group); plus strand), ABCC6 (ATP binding cassette subfamily C member 6; minus strand), BMERB1 (bMERB domain containing 1; plus strand), CEP20 (centrosomal protein 20; minus strand), MARF1 (meiosis regulator and mRNA stability factor 1; minus strand) and 6 more. Cytogenetic location: 16p13.11-12.3.
Variant type: copy number gain.
Change: copy number 3 (three copies instead of two) of chr16:15,316,618-18,164,698 (2.85 Mb, GRCh37 coordinates, 1-based), cytogenetic band 16p13.11-12.3.
Identifiers: ClinVar variation 980080 (VCV000980080.3).

ClinVar aggregate classification (germline): Likely pathogenic (1 of 4 stars; one submission).

Submission:

Quest Diagnostics Nichols Institute San Juan Capistrano
Classification: Likely pathogenic. Last evaluated: 2022-08-11. Review status: criteria provided, single submitter. Criteria: ACMG/ClinGen CNV Guidelines, 2019. Collection method: clinical testing. Allele origin: unknown.
Comment: This copy number gain involves multiple protein-coding genes. It confers susceptibility to a range of neurodevelopmental disorders and increased risk for cardiovascular disease (Allach El Khattabi et al., J Med Genet. 2018 Oct 4. Pii: jmedgenet-2018-105389. PMID: 30287593). The clinical significance of this recurrent duplication has been debated, because similar duplications are repeatedly observed in uncharacterized controls and in unaffected relatives (Ullmann R et al., Hum Mutat. 2007 Jul;28(7):674-82.PMID: 17480035; Hannes FD et al., J Med Genet. 2009 Apr;46(4):223-32. PMID: 18550696). However, the duplication is enriched in patients versus controls in multiple case-control studies (Coe et al., Nat Genet. 2014 Oct;46(10):1063-71., PMID: 25217958; Girirajan et al., N Engl J Med. 2012 Oct 4;367(14):1321-31., PMID: 22970919), with some exceptions (Kaminsky et al., Genet Med. 2011 Sep;13(9):777-84., PMID: 21844811). Thus, the clinical significance of this copy number variant (CNV) is likely pathogenic, with variable expressivity and incomplete penetrance.